The following is an entry in ClinVar:

NM_006393.3(NEBL):c.1227+5G>A

Gene: NEBL (nebulette; minus strand). Cytogenetic location: 10p12.31.
Variant type: single nucleotide variant.
Coding change: c.1227+5G>A on transcript NM_006393.3 (MANE Select); 5 bases into the intron after coding-DNA position 1227, G replaced by A.
Molecular consequence: intron variant.
Genome position (GRCh38, 1-based): chr10:20,845,253, C>T on the plus strand (G>A on the coding strand, the complement: NEBL is on the minus strand). VCF-style: chr10-20845253-C-T. GRCh37 (hg19) VCF-style: chr10-21134182-C-T.
Other names: c.250-32313G>A (NM_001377326.1, NM_001377327.1, NM_001377328.1); c.358-32313G>A (NM_213569.2, NM_001173484.2, NM_001377322.1); c.301-32313G>A (NM_001377324.1); c.292-32313G>A (NM_001377325.1); c.310-32313G>A (NM_001377323.1).
Identifiers: ClinVar variation 423353 (VCV000423353.12), dbSNP rs370026081, ClinGen allele CA5432944.

ClinVar aggregate classification (germline): Uncertain significance. Review status: criteria provided, multiple submitters, no conflicts (2 of 4 stars). 2 submissions from 2 submitters: Uncertain significance (2). Last evaluated 2026-01-06.

Conditions:
Primary dilated cardiomyopathy (DCM). Also called: Dilated Cardiomyopathy. Identifiers: Orphanet 217604, MedGen C0007193, MeSH D002311, MONDO:0005021, HP:0001644. Inheritance: Various modes of inheritance.

Allele frequency attached by ClinVar (database versions not stated): TOPMed 0.00012; gnomAD 0.00013 and 0.00014; ESP Exome Variant Server 0.00015.
gnomAD v4.1: 166 of 1,516,954 alleles (0.011%); highest among the groups gnomAD compares: Middle Eastern, 0.068%; no homozygotes.

Submissions (2):

Labcorp Genetics (formerly Invitae), Labcorp
Classification: Uncertain significance for Primary dilated cardiomyopathy. Last evaluated: 2026-01-06. Review status: criteria provided, single submitter. Criteria: Invitae Variant Classification Sherloc (09022015). Collection method: clinical testing. Allele origin: germline.
Comment: This sequence change falls in intron 12 of the NEBL gene. It does not directly change the encoded amino acid sequence of the NEBL protein. It affects a nucleotide within the consensus splice site. This variant is present in population databases (rs370026081, gnomAD 0.02%). This variant has not been reported in the literature in individuals affected with NEBL-related conditions. ClinVar contains an entry for this variant (Variation ID: 423353). Variants that disrupt the consensus splice site are a relatively common cause of aberrant splicing (PMID: 17576681, 9536098). Algorithms developed to predict the effect of sequence changes on RNA splicing suggest that this variant may disrupt the consensus splice site. In summary, the available evidence is currently insufficient to determine the role of this variant in disease. Therefore, it has been classified as a Variant of Uncertain Significance.

GeneDx
Classification: Uncertain significance. Last evaluated: 2024-09-11. Review status: criteria provided, single submitter. Criteria: GeneDx Variant Classification Process June 2021. Collection method: clinical testing. Allele origin: germline. Affected: yes.
Comment: Has not been previously published as pathogenic or benign to our knowledge; In silico analysis supports a deleterious effect on splicing; Variants in candidate genes are classified as variants of uncertain significance in accordance with ACMG guidelines (PMID: 25741868)

Literature cited by the submitters: PubMed 17576681 (cited by Labcorp Genetics (formerly Invitae), Labcorp); PubMed 9536098 (cited by Labcorp Genetics (formerly Invitae), Labcorp).